The following is an entry in ClinVar:

NM_000284.4(PDHA1):c.1137_1159dup (p.Lys387fs)

Gene: PDHA1 (pyruvate dehydrogenase E1 subunit alpha 1; plus strand). Cytogenetic location: Xp22.12.
Variant type: Duplication.
Coding change: c.1137_1159dup on transcript NM_000284.4 (MANE Select); coding-DNA positions 1137 to 1159, 23 bases duplicated (TGCCAATCAGTGGATCAAGTTTA).
Protein change: p.Lys387fs; shifts the reading frame from lysine 387.
Molecular consequence: frameshift variant.
Genome position (GRCh38, 1-based): chrX:19,359,617-19,359,639, TGCCAATCAGTGGATCAAGTTTA duplicated. VCF-style (leftmost placement, unchanged base first): chrX-19359616-G-GTGCCAATCAGTGGATCAAGTTTA. GRCh37 (hg19) VCF-style: chrX-19377734-G-GTGCCAATCAGTGGATCAAGTTTA.
Other names: c.1251_1273dup, p.Lys425fs (NM_001173454.2); c.1158_1180dup, p.Lys394fs (NM_001173455.2); c.1044_1066dup, p.Lys356fs (NM_001173456.2); short protein forms K356fs, K387fs, K394fs, K425fs.
Identifiers: ClinVar variation 4070467 (VCV004070467.1).

ClinVar aggregate classification (germline): Pathogenic (0 of 4 stars; one submission).

Conditions:
Pyruvate dehydrogenase E1-alpha deficiency (PDHAD). Also called: ATAXIA, INTERMITTENT, WITH PYRUVATE DEHYDROGENASE DEFICIENCY; ATAXIA WITH LACTIC ACIDOSIS I; ATAXIA, INTERMITTENT, WITH ABNORMAL PYRUVATE METABOLISM; Ataxia, intermittent, with pyruvate dehydrogenase, or decarboxylase, deficiency. Identifiers: Orphanet 79243, MedGen C1839413, MONDO:0010717, OMIM 312170.

Submission:

PDHA1 Study Group, University Children’s Hospital, Paracelsus Medical University
Classification: Pathogenic for Pyruvate dehydrogenase E1-alpha deficiency. Last evaluated: 2024-10-15. Review status: no assertion criteria provided. Collection method: research. Allele origin: germline. Affected: yes. Observed: 1 variant allele.
Comment: The NM_000284.3:c.1137_1159dup (p.Lys387MetfsTer45) change is a frameshift variant in PDHA1 gene. This variant is predicted to escape nonsense-mediated decay (NMD). The variant has been reported in 1 published case (PMIDs: 23021068, 8352855). Last literature search: July 12, 2024. This variant is absent or extremely rare in population-based cohorts in the Genome Aggregation Database (gnomAD). Individuals harboring this variant presented with clinical features compatible with PDHA1-related PDHc deficiency. In summary, this variant meets criteria to be classified as pathogenic (P) for PDHA1-related PDHc deficiency based on the ACMG/AMP criteria applied: PVS1, PM2, PM7 (last assessment October 15, 2024).

Literature cited by the submitters: PubMed 23021068; PubMed 8352855; DOI 10.1093/brain/awaf430.